The following is an entry in ClinVar:

ClinVar aggregate classification (germline): Uncertain significance (1 of 4 stars; one submission).

Submission:

Labcorp Genetics (formerly Invitae), Labcorp
Classification: Uncertain significance. Last evaluated: 2024-08-11. Review status: criteria provided, single submitter. Criteria: Invitae Variant Classification Sherloc (09022015). Collection method: clinical testing. Allele origin: germline.
Comment: This sequence change replaces threonine, which is neutral and polar, with serine, which is neutral and polar, at codon 119 of the RAD51 protein (p.Thr119Ser). This variant is not present in population databases (gnomAD no frequency). This variant has not been reported in the literature in individuals affected with RAD51-related conditions. Advanced modeling of protein sequence and biophysical properties (such as structural, functional, and spatial information, amino acid conservation, physicochemical variation, residue mobility, and thermodynamic stability) performed at Invitae indicates that this missense variant is not expected to disrupt RAD51 protein function with a negative predictive value of 80%. In summary, the available evidence is currently insufficient to determine the role of this variant in disease. Therefore, it has been classified as a Variant of Uncertain Significance.

NM_002875.5(RAD51):c.356C>G (p.Thr119Ser)

Gene: RAD51 (RAD51 recombinase; plus strand). Cytogenetic location: 15q15.1.
Variant type: single nucleotide variant.
Coding change: c.356C>G on transcript NM_002875.5 (MANE Select); coding-DNA position 356, C replaced by G.
Protein change: p.Thr119Ser; replaces threonine 119 with serine.
Molecular consequence: missense variant.
Genome position (GRCh38, 1-based): chr15:40,709,037, C>G. VCF-style: chr15-40709037-C-G. GRCh37 (hg19) VCF-style: chr15-41001235-C-G.
Other names: c.359C>G, p.Thr120Ser (NM_133487.4, NM_001164269.2); c.356C>G, p.Thr119Ser (NM_001164270.2); short protein forms T119S, T120S.
Identifiers: ClinVar variation 3661423 (VCV003661423.2).